The following is an entry in ClinVar:

ClinVar aggregate classification (germline): Uncertain significance (1 of 4 stars; one submission).

Conditions:
Hereditary breast ovarian cancer syndrome. Also called: Hereditary breast and/or ovarian cancer syndrome; BRCA1- and BRCA2-Associated Hereditary Breast and Ovarian Cancer; Hereditary breast and ovarian cancer syndrome; Hereditary breast and ovarian cancer; Hereditary breast and ovarian cancer syndrome (HBOC); Breast and ovarian cancer. Identifiers: Orphanet 145, MedGen C0677776, MeSH D061325, MONDO:0003582. Disease mechanism: loss of function.

Allele frequency attached by ClinVar (database versions not stated): gnomAD exomes below 0.00001.
gnomAD v4.1: 1 of 1,614,196 alleles (0.000062%); highest among the groups gnomAD compares: Non-Finnish European, 0.000085%; no homozygotes.

Submissions (2):

Labcorp Genetics (formerly Invitae), Labcorp
Classification: Uncertain significance for Hereditary breast ovarian cancer syndrome. Last evaluated: 2022-10-12. Review status: criteria provided, single submitter. Criteria: Invitae Variant Classification Sherloc (09022015). Collection method: clinical testing. Allele origin: germline.
Comment: In summary, the available evidence is currently insufficient to determine the role of this variant in disease. Therefore, it has been classified as a Variant of Uncertain Significance. Experimental studies have shown that this missense change does not substantially affect BRCA1 function (PMID: 30209399). Advanced modeling performed at Invitae incorporating data from internal and/or published experimental studies (PMID: 30209399) indicates that this missense variant is not expected to disrupt BRCA1 function. ClinVar contains an entry for this variant (Variation ID: 865546). This variant has not been reported in the literature in individuals affected with BRCA1-related conditions. This variant is not present in population databases (gnomAD no frequency). This sequence change replaces glycine, which is neutral and non-polar, with valine, which is neutral and non-polar, at codon 1820 of the BRCA1 protein (p.Gly1820Val).

Brotman Baty Institute, University of Washington
No classification provided (evidence only). Condition: Breast-ovarian cancer, familial 1. Review status: no classification provided. Collection method: in vitro. Allele origin: not applicable. Functional consequence: functionally_normal. Not counted in ClinVar's aggregate classification.
ClinVar note: "not provided" was previously submitted as the classification for the variant. However, the classification appeared to be based only on an observation of functional data so it was converted to no classification on 2025-07-30.

Literature cited by the submitters: PubMed 30209399 (cited by Labcorp Genetics (formerly Invitae), Labcorp).

NM_007294.4(BRCA1):c.5459G>T (p.Gly1820Val)

Gene: BRCA1 (BRCA1 DNA repair associated; minus strand). Cytogenetic location: 17q21.31.
Variant type: single nucleotide variant.
Coding change: c.5459G>T on transcript NM_007294.4 (MANE Select); coding-DNA position 5459, G replaced by T.
Protein change: p.Gly1820Val; replaces glycine 1820 with valine.
Molecular consequence: missense variant. On other transcripts: non-coding transcript variant (1).
Genome position (GRCh38, 1-based): chr17:43,047,651, C>A on the plus strand (G>T on the coding strand, the complement: BRCA1 is on the minus strand). VCF-style: chr17-43047651-C-A. GRCh37 (hg19) VCF-style: chr17-41199668-C-A.
Other names: c.5336G>T, p.Gly1779Val (NM_001407664.1, NM_001407665.1, NM_001407666.1 and 3 more transcripts); c.5333G>T, p.Gly1778Val (NM_001407670.1, NM_001407671.1, NM_001407672.1 and 8 more transcripts); c.5318G>T, p.Gly1773Val (NM_001407728.1, NM_001407729.1, NM_001407730.1 and 12 more transcripts); c.5315G>T, p.Gly1772Val (NM_001407732.1, NM_001407733.1, NM_001407734.1 and 18 more transcripts); c.5312G>T, p.Gly1771Val (NM_001407838.1, NM_001407839.1, NM_001407841.1 and 12 more transcripts); c.5246G>T, p.Gly1749Val (NM_001407894.1, NM_001407895.1, NM_001407896.1 and 12 more transcripts); c.5195G>T, p.Gly1732Val (NM_001407920.1, NM_001407921.1, NM_001407922.1 and 4 more transcripts); c.5192G>T, p.Gly1731Val (NM_001407927.1, NM_001407928.1, NM_001407929.1 and 4 more transcripts); and 83 more; short protein forms G1841V, G716V, G1773V, G1820V, W691C, G1708V, G1731V, G1751V.
Identifiers: ClinVar variation 865546 (VCV000865546.8), dbSNP rs2050978714, ClinGen allele CA10590451.